The following is an entry in ClinVar:

NM_000260.4(MYO7A):c.2695-9A>G

Gene: MYO7A (myosin VIIA; plus strand). Cytogenetic location: 11q13.5.
Variant type: single nucleotide variant.
Coding change: c.2695-9A>G on transcript NM_000260.4 (MANE Select); 9 bases into the intron before coding-DNA position 2695, A replaced by G.
Molecular consequence: intron variant.
Genome position (GRCh38, 1-based): chr11:77,181,371, A>G. VCF-style: chr11-77181371-A-G. GRCh37 (hg19) VCF-style: chr11-76892417-A-G.
Other names: c.2662-9A>G (NM_001369365.1); c.2695-9A>G (NM_001127180.2).
Identifiers: ClinVar variation 1379369 (VCV001379369.9), dbSNP rs1397029418, ClinGen allele CA939775764.
Genomic context (GRCh38, chr11:77,181,371, plus strand): 5'-GAGCTTGTTCCCTGAGGCTGTGGCACCGGGGGCTGACCCCGTGTCTTCTGTGTCACCCCA[A>G]TTGCCCAGGAGCGCCTGGCCCAGCTGGCTCGTGAGGACGCTGAGCGGGAGCTGAAGGAGA-3'

ClinVar aggregate classification (germline): Conflicting classifications of pathogenicity. Review status: criteria provided, conflicting classifications (1 of 4 stars). 2 submissions from 2 submitters: Pathogenic (1); Uncertain significance (1). Last evaluated 2024-06-03.

Allele frequency attached by ClinVar (database versions not stated): gnomAD 0.00001.

Submissions (2):

Labcorp Genetics (formerly Invitae), Labcorp
Classification: Pathogenic. Last evaluated: 2024-06-03. Review status: criteria provided, single submitter. Criteria: Invitae Variant Classification Sherloc (09022015). Collection method: clinical testing. Allele origin: germline.
Comment: This sequence change falls in intron 22 of the MYO7A gene. It does not directly change the encoded amino acid sequence of the MYO7A protein. This variant is not present in population databases (gnomAD no frequency). This variant has been observed in individuals with Usher syndrome (PMID: 23770805, 27460420). It has also been observed to segregate with disease in related individuals. ClinVar contains an entry for this variant (Variation ID: 1379369). Studies have shown that this variant alters mRNA splicing and is expected to lead to the loss of protein expression (PMID: 20052763). For these reasons, this variant has been classified as Pathogenic.

GeneDx
Classification: Uncertain significance. Last evaluated: 2022-06-13. Review status: criteria provided, single submitter. Criteria: GeneDx Variant Classification Process June 2021. Collection method: clinical testing. Allele origin: germline. Affected: yes.
Comment: Not observed at significant frequency in large population cohorts (gnomAD); In silico analysis supports a deleterious effect on splicing; This variant is associated with the following publications: (PMID: 20052763, 27460420, 23770805)

Literature cited by the submitters: PubMed 23770805 (cited by Labcorp Genetics (formerly Invitae), Labcorp); PubMed 27460420 (cited by Labcorp Genetics (formerly Invitae), Labcorp); PubMed 20052763 (cited by Labcorp Genetics (formerly Invitae), Labcorp).